The following is an entry in ClinVar:

NM_000503.6(EYA1):c.1734G>A (p.Ser578=)

Gene: EYA1 (EYA transcriptional coactivator and phosphatase 1; minus strand). Cytogenetic location: 8q13.3.
Variant type: single nucleotide variant.
Coding change: c.1734G>A on transcript NM_000503.6 (MANE Select); coding-DNA position 1734, G replaced by A.
Protein change: p.Ser578=; no amino-acid change (serine 578 retained).
Molecular consequence: synonymous variant.
Genome position (GRCh38, 1-based): chr8:71,199,385, C>T on the plus strand (G>A on the coding strand, the complement: EYA1 is on the minus strand). VCF-style: chr8-71199385-C-T. GRCh37 (hg19) VCF-style: chr8-72111620-C-T.
Other names: c.1716G>A, p.Ser572= (NM_001288574.2, NM_172059.5); c.1368G>A, p.Ser456= (NM_001288575.2); c.1821G>A, p.Ser607= (NM_001370333.1); c.1734G>A, p.Ser578= (NM_001370334.1, NM_001370335.1, NM_172058.4); c.1713G>A, p.Ser571= (NM_001370336.1).
Identifiers: ClinVar variation 504571 (VCV000504571.10), dbSNP rs770876882, ClinGen allele CA4779369.

ClinVar aggregate classification (germline): Benign/Likely benign. Review status: criteria provided, multiple submitters, no conflicts (2 of 4 stars). 2 submissions from 2 submitters: Benign (1); Likely benign (1). Last evaluated 2026-01-15.

Conditions:
Melnick-Fraser syndrome (BOR). Also called: Branchio-oto-renal syndrome; Branchiootorenal syndrome; Branchiootorenal Syndrome (BORS). Identifiers: Orphanet 107, MedGen C0265234, MONDO:0007029.

Allele frequency attached by ClinVar (database versions not stated): gnomAD exomes 0.00003 and 0.00007; ExAC 0.00010; gnomAD 0.00023 and 0.00027; TOPMed 0.00032.
gnomAD v4.1: 88 of 1,613,244 alleles (0.0055%); highest among the groups gnomAD compares: African/African-American, 0.079%; no homozygotes.

Submissions (2):

Labcorp Genetics (formerly Invitae), Labcorp
Classification: Benign for Melnick-Fraser syndrome. Last evaluated: 2026-01-15. Review status: criteria provided, single submitter. Criteria: Invitae Variant Classification Sherloc (09022015). Collection method: clinical testing. Allele origin: germline.

Laboratory for Molecular Medicine, Mass General Brigham Personalized Medicine
Classification: Likely benign. Last evaluated: 2017-01-25. Review status: criteria provided, single submitter. Criteria: LMM Criteria. Collection method: clinical testing. Allele origin: germline. Observed: 1 variant allele.
Comment: p.Ser578Ser in exon 17 of EYA1: This variant is not expected to have clinical si gnificance because it does not alter an amino acid residue, is not located withi n the splice consensus sequence, and has been identified in 0.1% (11/9788) of Af rican chromosomes by the Exome Aggregation Consortium (ExAC; dbSNP rs150410083).